The following is an entry in ClinVar:

ClinVar aggregate classification (germline): Uncertain significance (1 of 4 stars; one submission).

Submission:

Labcorp Genetics (formerly Invitae), Labcorp
Classification: Uncertain significance. Last evaluated: 2022-05-04. Review status: criteria provided, single submitter. Criteria: Invitae Variant Classification Sherloc (09022015). Collection method: clinical testing. Allele origin: germline.
Comment: In summary, the available evidence is currently insufficient to determine the role of this variant in disease. Therefore, it has been classified as a Variant of Uncertain Significance. Algorithms developed to predict the effect of missense changes on protein structure and function (SIFT, PolyPhen-2, Align-GVGD) all suggest that this variant is likely to be tolerated. This variant has not been reported in the literature in individuals affected with DMXL2-related conditions. This variant is not present in population databases (gnomAD no frequency). This sequence change replaces leucine, which is neutral and non-polar, with isoleucine, which is neutral and non-polar, at codon 2595 of the DMXL2 protein (p.Leu2595Ile).

NM_001378457.1(DMXL2):c.7783C>A (p.Leu2595Ile)

Gene: DMXL2 (Dmx like 2; minus strand). Cytogenetic location: 15q21.2.
Variant type: single nucleotide variant.
Coding change: c.7783C>A on transcript NM_001378457.1 (MANE Select); coding-DNA position 7783, C replaced by A.
Protein change: p.Leu2595Ile; replaces leucine 2595 with isoleucine.
Molecular consequence: missense variant. On other transcripts: non-coding transcript variant (1), intron variant (2).
Genome position (GRCh38, 1-based): chr15:51,464,700, G>T on the plus strand (C>A on the coding strand, the complement: DMXL2 is on the minus strand). VCF-style: chr15-51464700-G-T. GRCh37 (hg19) VCF-style: chr15-51756897-G-T.
Other names: c.7783C>A, p.Leu2595Ile (NM_001174116.3, NM_001378461.1); c.5872C>A, p.Leu1958Ile (NM_001174117.3); c.7780C>A, p.Leu2594Ile (NM_001378458.1, NM_001378462.1, NM_015263.5); c.5761C>A, p.Leu1921Ile (NM_001378460.1); c.7540C>A, p.Leu2514Ile (NM_001378464.1); c.7521-1204C>A (NM_001378459.1); c.7606+866C>A (NM_001378463.1); short protein forms L2514I, L2595I, L1921I, L1958I, L2594I.
Identifiers: ClinVar variation 2087862 (VCV002087862.4), dbSNP rs2543068054, ClinGen allele CA392438662.